The following is an entry in ClinVar:

NM_013339.4(ALG6):c.707G>A (p.Cys236Tyr)

Gene: ALG6 (ALG6 alpha-1,3-glucosyltransferase; plus strand). Cytogenetic location: 1p31.3.
Variant type: single nucleotide variant.
Coding change: c.707G>A on transcript NM_013339.4 (MANE Select); coding-DNA position 707, G replaced by A.
Protein change: p.Cys236Tyr; replaces cysteine 236 with tyrosine.
Molecular consequence: missense variant.
Genome position (GRCh38, 1-based): chr1:63,411,952, G>A. VCF-style: chr1-63411952-G-A. GRCh37 (hg19) VCF-style: chr1-63877623-G-A.
Other names: short protein forms C236Y.
Identifiers: ClinVar variation 2162385 (VCV002162385.3), dbSNP rs771479098, ClinGen allele CA888237.

ClinVar aggregate classification (germline): Uncertain significance (1 of 4 stars; one submission).

Conditions:
ALG6-congenital disorder of glycosylation 1C (CDG1C). Also called: CDG Ic; CARBOHYDRATE-DEFICIENT GLYCOPROTEIN SYNDROME, TYPE I, WITH DEFICIENT GLYCOSYLATION OF DOLICHOL-LINKED OLIGOSACCHARIDE; CARBOHYDRATE-DEFICIENT GLYCOPROTEIN SYNDROME, TYPE V; Congenital disorder of glycosylation type 1C; Congenital disorder of glycosylation, type Ic. Identifiers: Orphanet 79320, MedGen C2930997, MONDO:0011291, OMIM 603147.

Allele frequency attached by ClinVar (database versions not stated): gnomAD exomes 0.00001; TOPMed 0.00001; ExAC 0.00002.
gnomAD v4.1: 3 of 1,614,088 alleles (0.00019%); highest among the groups gnomAD compares: Admixed American, 0.005%; no homozygotes.

Submission:

Labcorp Genetics (formerly Invitae), Labcorp
Classification: Uncertain significance for ALG6-congenital disorder of glycosylation 1C. Last evaluated: 2023-05-22. Review status: criteria provided, single submitter. Criteria: Invitae Variant Classification Sherloc (09022015). Collection method: clinical testing. Allele origin: germline.
Comment: In summary, the available evidence is currently insufficient to determine the role of this variant in disease. Therefore, it has been classified as a Variant of Uncertain Significance. Advanced modeling of protein sequence and biophysical properties (such as structural, functional, and spatial information, amino acid conservation, physicochemical variation, residue mobility, and thermodynamic stability) performed at Invitae indicates that this missense variant is not expected to disrupt ALG6 protein function. This variant is present in population databases (rs771479098, gnomAD 0.009%). This sequence change replaces cysteine, which is neutral and slightly polar, with tyrosine, which is neutral and polar, at codon 236 of the ALG6 protein (p.Cys236Tyr). ClinVar contains an entry for this variant (Variation ID: 2162385). This variant has not been reported in the literature in individuals affected with ALG6-related conditions.